The following is an entry in ClinVar:

NM_001013663.2(PTRHD1):c.339G>T (p.Glu113Asp)

Gene: PTRHD1 (peptidyl-tRNA hydrolase domain containing 1; minus strand). Cytogenetic location: 2p23.3.
Variant type: single nucleotide variant.
Coding change: c.339G>T on transcript NM_001013663.2 (MANE Select); coding-DNA position 339, G replaced by T.
Protein change: p.Glu113Asp; replaces glutamic acid 113 with aspartic acid.
Molecular consequence: missense variant.
Genome position (GRCh38, 1-based): chr2:24,790,495, C>A on the plus strand (G>T on the coding strand, the complement: PTRHD1 is on the minus strand). VCF-style: chr2-24790495-C-A. GRCh37 (hg19) VCF-style: chr2-25013364-C-A.
Other names: short protein forms E113D.
Identifiers: ClinVar variation 4855606 (VCV004855606.1).
Genomic context (GRCh38, chr2:24,790,495, plus strand): 5'-CAAATACTGGCCCACTTCTTCCTTGGGGTAGGGCCGGAGAGCAATACAAGTGGCGATATT[C>A]TCTGGTTGCTCAAGCCACAGCATGTGGTCAATGTTCTTCTGTTGCAGGGTCTCGGCCAGC-3'
Protein context (NP_001013685.1, residues 103-123): IDHMLWLEQP[Glu113Asp]NIATCIALRP

ClinVar aggregate classification (germline): Uncertain significance (1 of 4 stars; one submission).

Conditions:
Neurodevelopmental disorder with early-onset parkinsonism and behavioral abnormalities. Identifiers: MedGen C5935590, MONDO:0958323, OMIM 620747.

gnomAD v4.1: 5 of 1,614,092 alleles (0.00031%); highest among the groups gnomAD compares: South Asian, 0.0055%; no homozygotes.

Submission:

3billion
Classification: Uncertain significance for Neurodevelopmental disorder with early-onset parkinsonism and behavioral abnormalities. Last evaluated: 2025-05-08. Review status: criteria provided, single submitter. Criteria: ACMG Guidelines, 2015. Collection method: clinical testing. Allele origin: germline. Affected: yes.
Comment: The variant is observed at an extremely low frequency in the gnomAD v4.1.0 dataset (total allele frequency: <0.001%). Predicted Consequence/Location: Missense variant. Missense changes are a common disease-causing mechanism. In silico tool predictions suggest damaging effect of the variant on gene or gene product [3Cnet: 0.81 (> 0.75, sensitivity 0.96 and precision 0.92)]. Therefore, this variant is classified as VUS according to the recommendation of ACMG/AMP guideline.